The following is an entry in ClinVar:

ClinVar aggregate classification (germline): Pathogenic/Likely pathogenic. Review status: criteria provided, multiple submitters, no conflicts (2 of 4 stars). 2 submissions from 2 submitters: Pathogenic (1); Likely pathogenic (1). Last evaluated 2025-08-06.

Conditions:
ABCC6-related disorder. Also called: ABCC6-related condition.

gnomAD v4.1: 2 of 1,613,972 alleles (0.00012%); highest among the groups gnomAD compares: African/African-American, 0.0013%; no homozygotes.

Submissions (2):

Labcorp Genetics (formerly Invitae), Labcorp
Classification: Pathogenic. Last evaluated: 2025-08-06. Review status: criteria provided, single submitter. Criteria: Invitae Variant Classification Sherloc (09022015). Collection method: clinical testing. Allele origin: germline.
Comment: This sequence change creates a premature translational stop signal (p.Tyr927*) in the ABCC6 gene. It is expected to result in an absent or disrupted protein product. Loss-of-function variants in ABCC6 are known to be pathogenic (PMID: 11536079, 17617515). This variant is present in population databases (rs61731973, gnomAD 0.003%). This variant has not been reported in the literature in individuals affected with ABCC6-related conditions. ClinVar contains an entry for this variant (Variation ID: 1453742). Algorithms developed to predict the effect of sequence changes on RNA splicing suggest that this variant may disrupt the consensus splice site. For these reasons, this variant has been classified as Pathogenic.

PreventionGenetics, part of Exact Sciences
Classification: Likely pathogenic for ABCC6-related condition. Last evaluated: 2025-06-16. Review status: criteria provided, single submitter. Criteria: ACMG Guidelines, 2015. Collection method: clinical testing. Allele origin: germline.
Comment: The ABCC6 c.2781C>A variant is predicted to result in premature protein termination (p.Tyr927*). To our knowledge, this variant has not been reported in the literature. This variant is reported in 0.0033% of alleles in individuals of South Asian descent in gnomAD. Nonsense variants in ABCC6 are expected to be pathogenic. This variant is interpreted as likely pathogenic.

Literature cited by the submitters: PubMed 11536079 (cited by Labcorp Genetics (formerly Invitae), Labcorp); PubMed 17617515 (cited by Labcorp Genetics (formerly Invitae), Labcorp).

NM_001171.6(ABCC6):c.2781C>A (p.Tyr927Ter)

Gene: ABCC6 (ATP binding cassette subfamily C member 6; minus strand). Cytogenetic location: 16p13.11.
Variant type: single nucleotide variant.
Coding change: c.2781C>A on transcript NM_001171.6 (MANE Select); coding-DNA position 2781, C replaced by A.
Protein change: p.Tyr927Ter; replaces tyrosine 927 with a stop codon.
Molecular consequence: nonsense. On other transcripts: non-coding transcript variant (1).
Genome position (GRCh38, 1-based): chr16:16,173,290, G>T on the plus strand (C>A on the coding strand, the complement: ABCC6 is on the minus strand). VCF-style: chr16-16173290-G-T. GRCh37 (hg19) VCF-style: chr16-16267147-G-T.
Other names: c.2439C>A, p.Tyr813Ter (NM_001351800.1); c.2781C>A (NM_001171.5); short protein forms Y927*, Y813*.
Identifiers: ClinVar variation 1453742 (VCV001453742.7), dbSNP rs61731973, ClinGen allele CA7925798.
Genomic context (GRCh38, chr16:16,173,290, plus strand): 5'-GCCCCTGGAGGTGGCAGCAGTGGGTGGGGAGGGGTGGGTGAAGCTGGTGGTTACCCTGCC[G>T]TATTGGATGCTGTCCTTTCCTGCTGGCCATCCTGCCCTGTCAGGGTCATCCAGAGGAACC-3'